The following is an entry in ClinVar:

NM_001357.5(DHX9):c.2636C>G (p.Ala879Gly)

Gene: DHX9 (DExH-box helicase 9; plus strand). Cytogenetic location: 1q25.3.
Variant type: single nucleotide variant.
Coding change: c.2636C>G on transcript NM_001357.5 (MANE Select); coding-DNA position 2636, C replaced by G.
Protein change: p.Ala879Gly; replaces alanine 879 with glycine.
Molecular consequence: missense variant. On other transcripts: non-coding transcript variant (1).
Genome position (GRCh38, 1-based): chr1:182,881,275, C>G. VCF-style: chr1-182881275-C-G. GRCh37 (hg19) VCF-style: chr1-182850410-C-G.
Other names: short protein forms A879G.
Identifiers: ClinVar variation 3776645 (VCV003776645.1).

ClinVar aggregate classification (germline): Uncertain significance (1 of 4 stars; one submission).

Submission:

GeneDx
Classification: Uncertain significance. Last evaluated: 2024-10-02. Review status: criteria provided, single submitter. Criteria: GeneDx Variant Classification Process June 2021. Collection method: clinical testing. Allele origin: germline. Affected: yes.
Comment: Not observed at significant frequency in large population cohorts (gnomAD); In silico analysis supports that this missense variant has a deleterious effect on protein structure/function; Has not been previously published as pathogenic or benign to our knowledge